The following is an entry in ClinVar:

NM_012073.5(CCT5):c.761C>T (p.Pro254Leu)

Gene: CCT5 (chaperonin containing TCP1 subunit 5; plus strand). Cytogenetic location: 5p15.2.
Variant type: single nucleotide variant.
Coding change: c.761C>T on transcript NM_012073.5 (MANE Select); coding-DNA position 761, C replaced by T.
Protein change: p.Pro254Leu; replaces proline 254 with leucine.
Molecular consequence: missense variant.
Genome position (GRCh38, 1-based): chr5:10,258,423, C>T. VCF-style: chr5-10258423-C-T. GRCh37 (hg19) VCF-style: chr5-10258535-C-T.
Other names: c.698C>T, p.Pro233Leu (NM_001306153.1); c.596C>T, p.Pro199Leu (NM_001306154.2); c.482C>T, p.Pro161Leu (NM_001306155.2); c.647C>T, p.Pro216Leu (NM_001306156.2); short protein forms P199L, P254L, P233L, P161L, P216L.
Identifiers: ClinVar variation 2855756 (VCV002855756.3), dbSNP rs2477444217, ClinGen allele CA359183033.

ClinVar aggregate classification (germline): Uncertain significance (1 of 4 stars; one submission).

Conditions:
Hereditary sensory and autonomic neuropathy with spastic paraplegia (HSNSP). Identifiers: Orphanet 139578, MedGen C1850395, MONDO:0009748, OMIM 256840.

Submission:

Labcorp Genetics (formerly Invitae), Labcorp
Classification: Uncertain significance for Hereditary sensory and autonomic neuropathy with spastic paraplegia. Last evaluated: 2023-04-12. Review status: criteria provided, single submitter. Criteria: Invitae Variant Classification Sherloc (09022015). Collection method: clinical testing. Allele origin: germline.
Comment: In summary, the available evidence is currently insufficient to determine the role of this variant in disease. Therefore, it has been classified as a Variant of Uncertain Significance. Advanced modeling of protein sequence and biophysical properties (such as structural, functional, and spatial information, amino acid conservation, physicochemical variation, residue mobility, and thermodynamic stability) performed at Invitae indicates that this missense variant is expected to disrupt CCT5 protein function. This variant has not been reported in the literature in individuals affected with CCT5-related conditions. This variant is not present in population databases (gnomAD no frequency). This sequence change replaces proline, which is neutral and non-polar, with leucine, which is neutral and non-polar, at codon 254 of the CCT5 protein (p.Pro254Leu).